The following is an entry in ClinVar:

ClinVar aggregate classification (germline): Benign (1 of 4 stars; one submission).

Conditions:
Familial cancer of breast. Also called: hereditary breast carcinoma; BREAST CANCER, FAMILIAL; Hereditary breast cancer. Identifiers: Orphanet 227535, MedGen C0346153, MONDO:0016419, OMIM 114480. Disease mechanism: loss of function.

Submission:

Myriad Genetics, Inc.
Classification: Benign for Familial cancer of breast. Last evaluated: 2024-05-28. Review status: criteria provided, single submitter. Criteria: Myriad Autosomal Dominant, Autosomal Recessive and X-Linked Classification Criteria (2023). Collection method: clinical testing. Allele origin: unknown.
Comment: This variant is considered benign. This variant is intronic and is not expected to impact mRNA splicing.

NM_000051.4(ATM):c.6007-20del

Genes: ATM (ATM serine/threonine kinase; plus strand), C11orf65 (chromosome 11 open reading frame 65; minus strand). Cytogenetic location: 11q22.3.
Variant type: Deletion.
Coding change: c.6007-20del on transcript NM_000051.4 (MANE Select); 20 bases into the intron before coding-DNA position 6007, one base deleted (T; older notation c.6007-20delT).
Molecular consequence: intron variant.
Genome position (GRCh38, 1-based): chr11:108,315,803, T deleted; the last of 5 consecutive T bases (chr11:108,315,799-108,315,803); deleting any one gives the same sequence. VCF-style (leftmost placement, unchanged base first): chr11-108315798-AT-A. GRCh37 (hg19) VCF-style: chr11-108186525-AT-A.
Other names: c.6007-20del (NM_001351834.2); c.641-6728del (NM_001330368.2); c.*39-6728del (NM_001351110.2).
Identifiers: ClinVar variation 3254068 (VCV003254068.1), dbSNP rs2547086482.